The following is an entry in ClinVar:

ClinVar aggregate classification (germline): Uncertain significance (1 of 4 stars; one submission).

Conditions:
Primary ciliary dyskinesia. Also called: Ciliary dyskinesia. Identifiers: Orphanet 244, MedGen C0008780, MONDO:0016575, HP:0012265.

Allele frequency attached by ClinVar (database versions not stated): gnomAD exomes 0.00001.

Submission:

Labcorp Genetics (formerly Invitae), Labcorp
Classification: Uncertain significance for Primary ciliary dyskinesia. Last evaluated: 2022-11-15. Review status: criteria provided, single submitter. Criteria: Invitae Variant Classification Sherloc (09022015). Collection method: clinical testing. Allele origin: germline.
Comment: This sequence change replaces leucine, which is neutral and non-polar, with valine, which is neutral and non-polar, at codon 152 of the DNAAF3 protein (p.Leu152Val). This variant is not present in population databases (gnomAD no frequency). This variant has not been reported in the literature in individuals affected with DNAAF3-related conditions. Advanced modeling of protein sequence and biophysical properties (such as structural, functional, and spatial information, amino acid conservation, physicochemical variation, residue mobility, and thermodynamic stability) performed at Invitae indicates that this missense variant is not expected to disrupt DNAAF3 protein function. In summary, the available evidence is currently insufficient to determine the role of this variant in disease. Therefore, it has been classified as a Variant of Uncertain Significance.

NM_001256715.2(DNAAF3):c.250C>G (p.Leu84Val)

Genes: DNAAF3 (dynein axonemal assembly factor 3; minus strand), DNAAF3-AS1 (DNAAF3 antisense RNA 1; plus strand). Cytogenetic location: 19q13.42.
Variant type: single nucleotide variant.
Coding change: c.250C>G on transcript NM_001256715.2 (MANE Select); coding-DNA position 250, C replaced by G.
Protein change: p.Leu84Val; replaces leucine 84 with valine.
Molecular consequence: missense variant.
Genome position (GRCh38, 1-based): chr19:55,165,442, G>C on the plus strand (C>G on the coding strand, the complement: DNAAF3 is on the minus strand). VCF-style: chr19-55165442-G-C. GRCh37 (hg19) VCF-style: chr19-55676810-G-C.
Other names: c.454C>G, p.Leu152Val (NM_001256714.1); c.88C>G, p.Leu30Val (NM_001256716.2); c.391C>G, p.Leu131Val (NM_178837.4); short protein forms L84V, L131V, L152V, L30V.
Identifiers: ClinVar variation 1903855 (VCV001903855.5), dbSNP rs1162845336, ClinGen allele CA407460198.
Genomic context (GRCh38, chr19:55,165,442, plus strand): 5'-TCTTCTCCGGTTCCTCCAGGGCTAGGCTGAAGATCAGCATGTGTCGGGCCACAGCTTCCA[G>C]ATTATTCTCCAGCACAAAGAACTAGAAGGATGGACAGGGCAGAATAATTCTGAGACCTGT-3'
Protein context (NP_001243644.1, residues 74-94): RFNFFVLENN[Leu84Val]EAVARHMLIF